The following is an entry in ClinVar:

ClinVar aggregate classification (germline): Uncertain significance (1 of 4 stars; one submission).

gnomAD v4.1: 2 of 1,614,124 alleles (0.00012%); highest among the groups gnomAD compares: Admixed American, 0.0017%; no homozygotes.

Submission:

Labcorp Genetics (formerly Invitae), Labcorp
Classification: Uncertain significance. Last evaluated: 2022-04-09. Review status: criteria provided, single submitter. Criteria: Invitae Variant Classification Sherloc (09022015). Collection method: clinical testing. Allele origin: germline.
Comment: This sequence change replaces methionine, which is neutral and non-polar, with isoleucine, which is neutral and non-polar, at codon 675 of the NSD1 protein (p.Met675Ile). This variant is not present in population databases (gnomAD no frequency). This variant has not been reported in the literature in individuals affected with NSD1-related conditions. Advanced modeling of protein sequence and biophysical properties (such as structural, functional, and spatial information, amino acid conservation, physicochemical variation, residue mobility, and thermodynamic stability) performed at Invitae indicates that this missense variant is not expected to disrupt NSD1 protein function. In summary, the available evidence is currently insufficient to determine the role of this variant in disease. Therefore, it has been classified as a Variant of Uncertain Significance.

NM_022455.5(NSD1):c.2025G>A (p.Met675Ile)

Gene: NSD1 (nuclear receptor binding SET domain protein 1; plus strand). Cytogenetic location: 5q35.3.
Variant type: single nucleotide variant.
Coding change: c.2025G>A on transcript NM_022455.5 (MANE Select); coding-DNA position 2025, G replaced by A.
Protein change: p.Met675Ile; replaces methionine 675 with isoleucine.
Molecular consequence: missense variant.
Genome position (GRCh38, 1-based): chr5:177,210,424, G>A. VCF-style: chr5-177210424-G-A. GRCh37 (hg19) VCF-style: chr5-176637425-G-A.
Other names: c.1152G>A, p.Met384Ile (NM_001365684.2, NM_001409306.1, NM_001409307.1 and 3 more transcripts); c.2025G>A, p.Met675Ile (NM_001409301.1, NM_001409302.1, NM_001409303.1); c.1605G>A, p.Met535Ile (NM_001409304.1); c.1272G>A, p.Met424Ile (NM_001409305.1); short protein forms M384I, M535I, M406I, M675I, M424I.
Identifiers: ClinVar variation 2089524 (VCV002089524.4), dbSNP rs1763242157, ClinGen allele CA362313244.